The following is an entry in ClinVar:

NM_000059.4(BRCA2):c.67+2T>C

Gene: BRCA2 (BRCA2 DNA repair associated; plus strand). Cytogenetic location: 13q13.1.
Variant type: single nucleotide variant.
Coding change: c.67+2T>C on transcript NM_000059.4 (MANE Select); the canonical splice donor site of the intron after coding-DNA position 67, T replaced by C.
Molecular consequence: splice donor variant. On other transcripts: intron variant (1).
Genome position (GRCh38, 1-based): chr13:32,316,529, T>C. VCF-style: chr13-32316529-T-C. GRCh37 (hg19) VCF-style: chr13-32890666-T-C.
Other names: IVS2+2T>C; c.67+2T>C (NM_001406720.1, NM_001406719.1, NM_001406721.1); c.-303+862T>C (NM_001406722.1).
Identifiers: ClinVar variation 52163 (VCV000052163.29), dbSNP rs81002885, ClinGen allele CA024346.
Genomic context (GRCh38, chr13:32,316,529, plus strand): 5'-TGGATCCAAAGAGAGGCCAACATTTTTTGAAATTTTTAAGACACGCTGCAACAAAGCAGG[T>C]ATTGACAAATTTTATATAACTTTATAAATTACACCGAGAAAGTGTTTTCTAAAAAATGCT-3'

ClinVar aggregate classification (germline): Pathogenic. Review status: criteria provided, multiple submitters, no conflicts (2 of 4 stars). 14 submissions from 13 submitters: Pathogenic (12). 2 of the submissions do not count toward it. Last evaluated 2026-01-26.

Conditions:
Hereditary breast ovarian cancer syndrome. Also called: Hereditary breast and ovarian cancer syndrome; Hereditary breast and ovarian cancer; Hereditary breast and ovarian cancer syndrome (HBOC); Breast and ovarian cancer; Hereditary breast and/or ovarian cancer syndrome; BRCA1- and BRCA2-Associated Hereditary Breast and Ovarian Cancer. Identifiers: Orphanet 145, MedGen C0677776, MeSH D061325, MONDO:0003582. Disease mechanism: loss of function.
Hereditary cancer-predisposing syndrome. Also called: Neoplastic Syndromes, Hereditary; Tumor predisposition; Hereditary neoplastic syndrome; Hereditary Cancer Syndrome. Identifiers: Orphanet 140162, MedGen C0027672, MeSH D009386, MONDO:0015356.
Inherited breast cancer and ovarian cancer.
Familial cancer of breast. Also called: BREAST CANCER, FAMILIAL; Hereditary breast cancer; hereditary breast carcinoma. Identifiers: Orphanet 227535, MedGen C0346153, MONDO:0016419, OMIM 114480. Disease mechanism: loss of function.
Breast-ovarian cancer, familial, susceptibility to, 2 (BROVCA2). Also called: BRCA2 Hereditary Breast and Ovarian Cancer. Identifiers: Orphanet 145, MedGen C2675520, MONDO:0012933, OMIM 612555. Disease mechanism: loss of function.

Allele frequency attached by ClinVar (database versions not stated): gnomAD exomes below 0.00001.
gnomAD v4.1: 3 of 1,612,886 alleles (0.00019%); highest among the groups gnomAD compares: Non-Finnish European, 0.00025%; no homozygotes.

Submissions 1 to 7 of 14:

Genomics and Molecular Medicine Service, East Genomic Laboratory Hub, NHS Genomic Medicine Service
Classification: Pathogenic for Inherited breast cancer and ovarian cancer. Last evaluated: 2026-01-26. Review status: criteria provided, single submitter. Criteria: ACGS Best Practice Guidelines for Variant Classification in Rare Disease 2020. Collection method: clinical testing. Allele origin: germline. Affected: yes.
Comment: PVS1,PS4_Very Strong,PM2_Supporting,PP4

KCCC/NGS Laboratory, Kuwait Cancer Control Center
Classification: Pathogenic for Familial cancer of breast. Last evaluated: 2025-07-07. Review status: criteria provided, single submitter. Criteria: ACMG Guidelines, 2015. Collection method: clinical testing. Allele origin: germline. Inheritance: Autosomal dominant inheritance. Affected: yes. Observed: 1 heterozygote.
Comment: This sequence change affects a donor splice site in intron 2 of the BRCA2 gene. It is expected to disrupt RNA splicing and likely results in an absent or disrupted protein product. This variant is not present in population databases (gnomAD). This variant has been reported in an individual and a family affected with breast/ovarian cancer (PMID: 12955716, 22798144). This variant is also known as IVS2+2T>C and 295+2T>C in the literature. ClinVar contains an entry for this variant (Variation ID: 52163). Experimental studies have shown that this intronic change disrupts splicing and results in an mRNA product with exon 2 skipped (PMID: 22505045). Exon 2 contains the translational start site of BRCA2. Loss-of-function variants in BRCA2 are known to be pathogenic (PMID: 20104584). Therefore, this variant has been classified as Pathogenic.

Ambry Genetics
Classification: Pathogenic for Hereditary cancer-predisposing syndrome. Last evaluated: 2025-05-25. Review status: criteria provided, single submitter. Criteria: Ambry Variant Classification Scheme 2023. Collection method: clinical testing. Allele origin: germline.
Comment: The c.67+2T>C intronic pathogenic mutation results from a T to C substitution two nucleotides after coding exon 1 in the BRCA2 gene. Alterations that disrupt the canonical splice site are expected to result in aberrant splicing. In silico splice site analysis predicts that this alteration will weaken the native splice donor site. This variant, as well as several other variants at this donor site, have been shown by multiple assays to result in skipping of coding exon 1 (also known as exon 2), resulting in the loss of the translational start codon (Houdayer C et al. Hum Mutat, 2012 Aug;33:1228-38; Fraile-Bethencourt E et al. J Pathol, 2019 Aug;248:409-420; Mesman RLS et al. Genet Med, 2020 Aug;22:1355-1365). In addition, in an assay testing BRCA2 function, this variant showed a functionally abnormal result (Mesman RLS et al. Genet Med, 2020 Aug;22:1355-1365). This nucleotide position is highly conserved in available vertebrate species. Based on the supporting evidence, this variant is interpreted as a disease-causing mutation.

Labcorp Genetics (formerly Invitae), Labcorp
Classification: Pathogenic for Hereditary breast ovarian cancer syndrome. Last evaluated: 2024-05-13. Review status: criteria provided, single submitter. Criteria: Invitae Variant Classification Sherloc (09022015). Collection method: clinical testing. Allele origin: germline.
Comment: This sequence change affects a donor splice site in intron 2 of the BRCA2 gene. RNA analysis indicates that disruption of this splice site induces altered splicing and may result in an absent or disrupted protein product. This variant is present in population databases (rs81002885, gnomAD 0.0009%). Disruption of this splice site has been observed in individual(s) with breast and/or ovarian cancer and/or breast cancer (PMID: 12955716, 21063910, 22798144). It has also been observed to segregate with disease in related individuals. This variant is also known as IVS2+2T>C and 295+2T>C. ClinVar contains an entry for this variant (Variation ID: 52163). Studies have shown that disruption of this splice site alters mRNA splicing and is expected to lead to the loss of protein expression (PMID: 17011978, 22505045, 30883759). For these reasons, this variant has been classified as Pathogenic.

GeneDx
Classification: Pathogenic. Last evaluated: 2023-06-22. Review status: criteria provided, single submitter. Criteria: GeneDx Variant Classification Process June 2021. Collection method: clinical testing. Allele origin: germline. Affected: yes.
Comment: Published functional studies demonstrate a damaging effect: results in exon 2 skipping which contains the initiator codon, unable to rescue cell viability in a complementation assay (Houdayer et al., 2012; Fraile-Bethencourt et al., 2019; Mesman et al., 2020); Observed in individuals with a personal or family history consistent with pathogenic variants in this gene (Diez et al., 2003; Martinez-Ferrandis et al., 2003; Kim et al., 2012; Pajares et al., 2018; Al Hannan et al., 2019); Canonical splice site variant predicted to result in a null allele in a gene for which loss of function is a known mechanism of disease; Not observed at significant frequency in large population cohorts (gnomAD); Also known as 295+2T>C; This variant is associated with the following publications: (PMID: 31131967, 29446198, 31131559, 14517958, 25525159, 22798144, 22505045, 12955716, 18528753, 30720243, 29884136, 33654310, 32398771, 30883759)

KCCC/NGS Laboratory, Kuwait Cancer Control Center
Classification: Pathogenic for Breast-ovarian cancer, familial, susceptibility to, 2. Last evaluated: 2023-06-06. Review status: criteria provided, single submitter. Criteria: ACMG Guidelines, 2015. Collection method: clinical testing. Allele origin: germline. Affected: yes.
Comment: A known pathogenic mutation was detected in the BRCA2 gene (c.67+2T>C). This sequence change affects a donor splice site in intron 2 of the BRCA2 gene. It is expected to disrupt RNA splicing and likely results in an absent or disrupted protein product. This variant is not present in population databases (gnomAD). This variant has been reported in an individual and a family affected with breast/ovarian cancer (PMID: 12955716, 22798144). This variant is also known as IVS2+2T>C and 295+2T>C in the literature. ClinVar contains an entry for this variant (Variation ID: 52163). Experimental studies have shown that this intronic change disrupts splicing and results in an mRNA product with exon 2 skipped (PMID: 22505045). Exon 2 contains the translational start site of BRCA2. Loss-of-function variants in BRCA2 are known to be pathogenic (PMID: 20104584). Therefore, this variant has been classified as Pathogenic. This variant was confirmed by Sanger sequencing .

Laboratory for Molecular Medicine, Mass General Brigham Personalized Medicine
Classification: Pathogenic for Hereditary breast ovarian cancer syndrome. Last evaluated: 2022-11-03. Review status: criteria provided, single submitter. Criteria: ACMG Guidelines, 2015. Collection method: clinical testing. Allele origin: germline.
Comment: The c.67+2T>C variant in BRCA2 has been reported in at least 7 individuals affected with Hereditary Breast and Ovarian Cancer (selected references, Diez 2003 PMID: 12955716, Al Hannan 2019 PMID: 31131559, Rebbeck 2018 PMID: 29446198, Pajares 2018 PMID: 29884136). It has also been reported in ClinVar (Variation ID 52163) but was absent from large population studies. This variant occurs within the canonical splice site (+/- 1,2) and is predicted to cause altered splicing leading to an abnormal or absent protein. In vitro functional studies provide some evidence that this variant affects mRNA splicing (Houdayer 2012 PMID: 22505045, Fraile-Bethencourt 2019 PMID: 30883759). Loss of function of the BRCA2 gene is an established disease mechanism in autosomal dominant hereditary breast and ovarian cancer syndrome. In summary, this variant meets criteria to be classified as pathogenic for autosomal dominant hereditary breast and ovarian cancer syndrome. ACMG/AMP Criteria applied: PM2_supporting, PVS1, PS4_Moderate.